The following is an entry in ClinVar:

ClinVar aggregate classification (germline): Conflicting classifications of pathogenicity. Review status: criteria provided, conflicting classifications (1 of 4 stars). 5 submissions from 4 submitters: Uncertain significance (2); Benign (1); Likely benign (1). 1 of the submissions does not count toward it. Last evaluated 2026-01-28.

Conditions:
Maturity-onset diabetes of the young (MODY). Also called: Maturity onset diabetes mellitus in young. Identifiers: Orphanet 552, MedGen C0342276, MONDO:0018911, HP:0004904.
Hereditary hyperinsulinism.
Transitory neonatal diabetes mellitus. Also called: Transient neonatal diabetes mellitus. Identifiers: MedGen C0342273, MONDO:0020525, HP:0008255.

Allele frequency attached by ClinVar (database versions not stated): TOPMed 0.00004; gnomAD 0.00006 and 0.00012; gnomAD exomes 0.00020 and 0.00041; 1000 Genomes Project 30x 0.00031; ExAC 0.00039; 1000 Genomes Project 0.00040.
gnomAD v4.1: 324 of 1,613,328 alleles (0.02%); highest among the groups gnomAD compares: South Asian, 0.32%; 2 homozygotes.

Submissions (5):

Labcorp Genetics (formerly Invitae), Labcorp
Classification: Benign. Last evaluated: 2026-01-28. Review status: criteria provided, single submitter. Criteria: Invitae Variant Classification Sherloc (09022015). Collection method: clinical testing. Allele origin: germline.

Women's Health and Genetics/Laboratory Corporation of America, LabCorp
Classification: Likely benign. Last evaluated: 2024-11-18. Review status: criteria provided, single submitter. Criteria: LabCorp Variant Classification Summary - May 2015. Collection method: clinical testing. Allele origin: germline.

Clinical Genomics, Uppaluri K&H Personalized Medicine Clinic
Classification: Uncertain significance for Maturity-onset diabetes of the young. Review status: criteria provided, single submitter. Criteria: K & H Uppaluri Personalized Medicine Clinic Variant Classification & Assertion Criteria_Updated V.1. Collection method: research. Allele origin: unknown. Inheritance: Somatic mutation.
Comment: Mutations in ABCC8 gene are associated with both neonatal diabetes mellitus as well as MODY. Patients with this mutation may have a better response to sulfonylureas. However, no sufficient evidence is found to ascertain the role of this particular variant (rs534103042) in MODY yet.

Clinical Genomics, Uppaluri K&H Personalized Medicine Clinic
Classification: Uncertain significance for Transitory neonatal diabetes mellitus. Review status: criteria provided, single submitter. Criteria: K & H Uppaluri Personalized Medicine Clinic Variant Classification & Assertion Criteria_Updated V.1. Collection method: research. Allele origin: unknown. Inheritance: Somatic mutation.
Comment: Mutations in ABCC8 gene are associated with both neonatal diabetes mellitus as well as MODY. Patients with this mutation may have a better response to sulfonylureas. However, no sufficient evidence is found to ascertain the role of this particular variant (rs534103042) in neonatal diabetes yet.

Natera, Inc.
Classification: Uncertain significance for Hereditary hyperinsulinism. Last evaluated: 2020-04-10. Review status: no assertion criteria provided. Collection method: clinical testing. Allele origin: germline. Not counted in ClinVar's aggregate classification.

Literature cited by the submitters: PubMed 16885549 (cited by Clinical Genomics, Uppaluri K&H Personalized Medicine Clinic); PubMed 21989597 (cited by Clinical Genomics, Uppaluri K&H Personalized Medicine Clinic); PubMed 27538677 (cited by Clinical Genomics, Uppaluri K&H Personalized Medicine Clinic); PubMed 18981553 (cited by Clinical Genomics, Uppaluri K&H Personalized Medicine Clinic); PubMed 32027066 (cited by Clinical Genomics, Uppaluri K&H Personalized Medicine Clinic); PubMed 16613899 (cited by Clinical Genomics, Uppaluri K&H Personalized Medicine Clinic); PubMed 18025408 (cited by Clinical Genomics, Uppaluri K&H Personalized Medicine Clinic); PubMed 32792356 (cited by Clinical Genomics, Uppaluri K&H Personalized Medicine Clinic).

NM_000352.6(ABCC8):c.2222+12A>G

Gene: ABCC8 (ATP binding cassette subfamily C member 8; minus strand). Cytogenetic location: 11p15.1.
Variant type: single nucleotide variant.
Coding change: c.2222+12A>G on transcript NM_000352.6 (MANE Select); 12 bases into the intron after coding-DNA position 2222, A replaced by G.
Molecular consequence: intron variant.
Genome position (GRCh38, 1-based): chr11:17,427,037, T>C on the plus strand (A>G on the coding strand, the complement: ABCC8 is on the minus strand). VCF-style: chr11-17427037-T-C. GRCh37 (hg19) VCF-style: chr11-17448584-T-C.
Other names: c.2219+12A>G (NM_001351297.2, NM_001351296.2); c.2288+12A>G (NM_001351295.2); c.2222+12A>G (NM_001287174.3).
Identifiers: ClinVar variation 990406 (VCV000990406.8), dbSNP rs534103042, ClinGen allele CA5903264.